The following is an entry in ClinVar:

ClinVar aggregate classification (germline): Uncertain significance. Review status: criteria provided, multiple submitters, no conflicts (2 of 4 stars). 4 submissions from 4 submitters: Uncertain significance (4). Last evaluated 2025-07-01.

Conditions:
Familial thoracic aortic aneurysm and aortic dissection (TAAD). Also called: Thoracic aortic aneurysms and dissections. Identifiers: Orphanet 91387, MedGen C4707243, MONDO:0019625.
Aneurysm-osteoarthritis syndrome. Also called: LOEYS-DIETZ SYNDROME WITH OSTEOARTHRITIS; SMAD3-Related Loeys-Dietz Syndrome; Loeys-Dietz syndrome, type 1C; ANEURYSMS-OSTEOARTHRITIS SYNDROME. Identifiers: Orphanet 284984, MedGen C3151087, MONDO:0013426, OMIM 613795.

Allele frequency attached by ClinVar (database versions not stated): gnomAD exomes below 0.00001 and 0.00002; ExAC 0.00001.
gnomAD v4.1: 7 of 1,614,138 alleles (0.00043%); highest among the groups gnomAD compares: East Asian, 0.0045%; no homozygotes.

Submissions (4):

Color Diagnostics, LLC DBA Color Health
Classification: Uncertain significance for Familial thoracic aortic aneurysm and aortic dissection. Last evaluated: 2025-07-01. Review status: criteria provided, single submitter. Criteria: ACMG Guidelines, 2015. Collection method: clinical testing. Allele origin: germline.
Comment: This missense variant replaces alanine with valine at codon 382 of the SMAD3 protein. Computational prediction suggests that this variant may have a deleterious impact on protein structure and function. To our knowledge, functional studies have not been reported for this variant. This variant has not been reported in individuals affected with SMAD3-related disorders in the literature. This variant has been identified in 4/251486 chromosomes in the general population by the Genome Aggregation Database (gnomAD). The available evidence is insufficient to determine the role of this variant in disease conclusively. Therefore, this variant is classified as a Variant of Uncertain Significance.

All of Us Research Program, National Institutes of Health
Classification: Uncertain significance for Aneurysm-osteoarthritis syndrome. Last evaluated: 2023-08-15. Review status: criteria provided, single submitter. Criteria: ACMG Guidelines, 2015. Collection method: clinical testing. Allele origin: germline. Inheritance: Autosomal dominant inheritance. Observed: 2 variant alleles, 2 heterozygotes.
Comment: This missense variant replaces alanine with valine at codon 382 of the SMAD3 protein. Computational prediction suggests that this variant may have deleterious impact on protein structure and function (internally defined REVEL score threshold >= 0.7, PMID: 27666373). To our knowledge, functional studies have not been reported for this variant. This variant has not been reported in individuals affected with cardiovascular disorders in the literature. This variant has been identified in 4/251486 chromosomes in the general population by the Genome Aggregation Database (gnomAD). The available evidence is insufficient to determine the role of this variant in disease conclusively. Therefore, this variant is classified as a Variant of Uncertain Significance.

This study involves interpretation of variants in research participants for the purpose of population health screening. Participant phenotype was not available at the time of variant classification. Additional details can be found in publication PMID: 35346344, PMCID: PMC8962531

Labcorp Genetics (formerly Invitae), Labcorp
Classification: Uncertain significance for Familial thoracic aortic aneurysm and aortic dissection. Last evaluated: 2022-02-19. Review status: criteria provided, single submitter. Criteria: Invitae Variant Classification Sherloc (09022015). Collection method: clinical testing. Allele origin: germline.
Comment: This sequence change replaces alanine, which is neutral and non-polar, with valine, which is neutral and non-polar, at codon 382 of the SMAD3 protein (p.Ala382Val). This variant is present in population databases (rs779602560, gnomAD 0.006%). This variant has not been reported in the literature in individuals affected with SMAD3-related conditions. Algorithms developed to predict the effect of missense changes on protein structure and function are either unavailable or do not agree on the potential impact of this missense change (SIFT: "Not Available"; PolyPhen-2: "Possibly Damaging"; Align-GVGD: "Not Available"). In summary, the available evidence is currently insufficient to determine the role of this variant in disease. Therefore, it has been classified as a Variant of Uncertain Significance.

AiLife Diagnostics
Classification: Uncertain significance. Last evaluated: 2021-09-10. Review status: criteria provided, single submitter. Criteria: ACMG Guidelines, 2015. Collection method: clinical testing. Allele origin: germline. Affected: yes. Observed: 1 variant allele.

NM_005902.4(SMAD3):c.1145C>T (p.Ala382Val)

Gene: SMAD3 (SMAD family member 3; plus strand). Cytogenetic location: 15q22.33.
Variant type: single nucleotide variant.
Coding change: c.1145C>T on transcript NM_005902.4 (MANE Select); coding-DNA position 1145, C replaced by T.
Protein change: p.Ala382Val; replaces alanine 382 with valine.
Molecular consequence: missense variant.
Genome position (GRCh38, 1-based): chr15:67,187,500, C>T. VCF-style: chr15-67187500-C-T. GRCh37 (hg19) VCF-style: chr15-67479838-C-T.
Other names: c.830C>T, p.Ala277Val (NM_001145102.2); c.1013C>T, p.Ala338Val (NM_001145103.2); c.560C>T, p.Ala187Val (NM_001145104.2); short protein forms A187V, A277V, A338V, A382V.
Identifiers: ClinVar variation 1677493 (VCV001677493.9), dbSNP rs779602560, ClinGen allele CA061619.
Genomic context (GRCh38, chr15:67,187,500, plus strand): 5'-CTGTCTACCAGTTGACCCGAATGTGCACCATCCGCATGAGCTTCGTCAAAGGCTGGGGAG[C>T]GGAGTACAGGTCAGTTATGGGTGCTGCCTACATCAGGGGACCCAACTCCAGGTGACTCTG-3'
Protein context (NP_005893.1, residues 372-392): IRMSFVKGWG[Ala382Val]EYRRQTVTST